The following is an entry in ClinVar:

ClinVar aggregate classification (germline): Likely benign (1 of 4 stars; one submission).

Allele frequency attached by ClinVar (database versions not stated): TOPMed below 0.00001; gnomAD exomes 0.00002 and 0.00006; ExAC 0.00007.
gnomAD v4.1: 25 of 1,611,544 alleles (0.0016%); highest among the groups gnomAD compares: South Asian, 0.023%; no homozygotes.

Submission:

GeneDx
Classification: Likely benign. Last evaluated: 2016-04-14. Review status: criteria provided, single submitter. Criteria: GeneDx Variant Classification (06012015). Collection method: clinical testing. Allele origin: germline. Affected: yes.
Comment: This variant is considered likely benign or benign based on one or more of the following criteria: it is a conservative change, it occurs at a poorly conserved position in the protein, it is predicted to be benign by multiple in silico algorithms, and/or has population frequency not consistent with disease.

NM_020117.11(LARS1):c.3326-3T>C

Gene: LARS1 (leucyl-tRNA synthetase 1; minus strand). Cytogenetic location: 5q32.
Variant type: single nucleotide variant.
Coding change: c.3326-3T>C on transcript NM_020117.11 (MANE Select); 3 bases into the intron before coding-DNA position 3326, T replaced by C.
Molecular consequence: intron variant.
Genome position (GRCh38, 1-based): chr5:146,114,314, A>G on the plus strand (T>C on the coding strand, the complement: LARS1 is on the minus strand). VCF-style: chr5-146114314-A-G. GRCh37 (hg19) VCF-style: chr5-145493877-A-G.
Other names: c.3164-3T>C (NM_001317965.2); c.3245-3T>C (NM_016460.4); c.3188-3T>C (NM_001317964.2).
Identifiers: ClinVar variation 384890 (VCV000384890.1), dbSNP rs749698974, ClinGen allele CA3489047.